The following is an entry in ClinVar:

ClinVar aggregate classification (germline): Uncertain significance (1 of 4 stars; one submission).

Submission:

GeneDx
Classification: Uncertain significance. Last evaluated: 2023-10-14. Review status: criteria provided, single submitter. Criteria: GeneDx Variant Classification Process June 2021. Collection method: clinical testing. Allele origin: germline. Affected: yes.
Comment: Not observed at significant frequency in large population cohorts (gnomAD); Nonsense variant predicted to result in protein truncation or nonsense mediated decay in a gene or region of a gene for which loss of function is not a well-established mechanism of disease; Has not been previously published as pathogenic or benign to our knowledge

NM_002249.6(KCNN3):c.1739G>A (p.Trp580Ter)

Gene: KCNN3 (potassium calcium-activated channel subfamily N member 3; minus strand). Cytogenetic location: 1q21.3.
Variant type: single nucleotide variant.
Coding change: c.1739G>A on transcript NM_002249.6 (MANE Select); coding-DNA position 1739, G replaced by A.
Protein change: p.Trp580Ter; replaces tryptophan 580 with a stop codon.
Molecular consequence: nonsense.
Genome position (GRCh38, 1-based): chr1:154,714,966, C>T on the plus strand (G>A on the coding strand, the complement: KCNN3 is on the minus strand). VCF-style: chr1-154714966-C-T. GRCh37 (hg19) VCF-style: chr1-154687442-C-T.
Other names: c.1784G>A, p.Trp595Ter (NM_001204087.2); c.845G>A, p.Trp282Ter (NM_001365837.1); c.800G>A, p.Trp267Ter (NM_001365838.1); c.824G>A, p.Trp275Ter (NM_170782.3); short protein forms W267*, W275*, W282*, W580*, W595*.
Identifiers: ClinVar variation 3253302 (VCV003253302.1), dbSNP rs2526997515.